The following is an entry in ClinVar:

NM_138295.5(PKD1L1):c.7706G>C (p.Ser2569Thr)

Genes: PKD1L1 (polycystin 1 like 1, transient receptor potential channel interacting; minus strand), PKD1L1-AS1 (PKD1L1 antisense RNA 1; plus strand). Cytogenetic location: 7p12.3.
Variant type: single nucleotide variant.
Coding change: c.7706G>C on transcript NM_138295.5 (MANE Select); coding-DNA position 7706, G replaced by C.
Protein change: p.Ser2569Thr; replaces serine 2569 with threonine.
Molecular consequence: missense variant.
Genome position (GRCh38, 1-based): chr7:47,808,368, C>G on the plus strand (G>C on the coding strand, the complement: PKD1L1 is on the minus strand). VCF-style: chr7-47808368-C-G. GRCh37 (hg19) VCF-style: chr7-47847966-C-G.
Other names: short protein forms S2569T.
Identifiers: ClinVar variation 3040302 (VCV003040302.4), dbSNP rs142359452, ClinGen allele CA4251940.

ClinVar aggregate classification (germline): Uncertain significance. Review status: criteria provided, multiple submitters, no conflicts (2 of 4 stars). 3 submissions from 3 submitters: Uncertain significance (2). 1 of the submissions does not count toward it. Last evaluated 2026-01-24.

Conditions:
PKD1L1-related disorder. Also called: PKD1L1-related condition.
Inborn genetic diseases. Identifiers: MedGen C0950123, MeSH D030342.

Allele frequency attached by ClinVar (database versions not stated): ExAC 0.00040; gnomAD 0.00046; 1000 Genomes Project 30x 0.00062; ESP Exome Variant Server 0.00062; 1000 Genomes Project 0.00080.
gnomAD v4.1: 1,253 of 1,614,100 alleles (0.078%); highest among the groups gnomAD compares: Non-Finnish European, 0.093%; no homozygotes.

Submissions (3):

Labcorp Genetics (formerly Invitae), Labcorp
Classification: Uncertain significance. Last evaluated: 2026-01-24. Review status: criteria provided, single submitter. Criteria: Invitae Variant Classification Sherloc (09022015). Collection method: clinical testing. Allele origin: germline.
Comment: This sequence change replaces serine, which is neutral and polar, with threonine, which is neutral and polar, at codon 2569 of the PKD1L1 protein (p.Ser2569Thr). This variant is present in population databases (rs142359452, gnomAD 0.2%), and has an allele count higher than expected for a pathogenic variant. This variant has not been reported in the literature in individuals affected with PKD1L1-related conditions. ClinVar contains an entry for this variant (Variation ID: 3040302). Invitae Evidence Modeling of protein sequence and biophysical properties (such as structural, functional, and spatial information, amino acid conservation, physicochemical variation, residue mobility, and thermodynamic stability) indicates that this missense variant is not expected to disrupt PKD1L1 protein function with a negative predictive value of 80%. In summary, the available evidence is currently insufficient to determine the role of this variant in disease. Therefore, it has been classified as a Variant of Uncertain Significance.

Ambry Genetics
Classification: Uncertain significance for Inborn genetic diseases. Last evaluated: 2024-09-11. Review status: criteria provided, single submitter. Criteria: Ambry Variant Classification Scheme 2023. Collection method: clinical testing. Allele origin: germline.

PreventionGenetics, part of Exact Sciences
Classification: Likely benign for PKD1L1-related condition. Last evaluated: 2022-05-16. Review status: no assertion criteria provided. Collection method: clinical testing. Allele origin: germline. Not counted in ClinVar's aggregate classification.
Comment: This variant is classified as likely benign based on ACMG/AMP sequence variant interpretation guidelines (Richards et al. 2015 PMID: 25741868, with internal and published modifications).